The following is an entry in ClinVar:

ClinVar aggregate classification (germline): Uncertain significance. Review status: criteria provided, single submitter (1 of 4 stars). 2 submissions from 2 submitters: Uncertain significance (1). 1 of the submissions does not count toward it. Last evaluated 2022-01-26.

Conditions:
CNTN6-related disorder. Also called: CNTN6-related condition.

Allele frequency attached by ClinVar (database versions not stated): ExAC 0.00001; gnomAD 0.00008; TOPMed 0.00013.
gnomAD v4.1: 20 of 1,613,656 alleles (0.0012%); highest among the groups gnomAD compares: African/African-American, 0.024%; no homozygotes.

Submissions (2):

Ambry Genetics
Classification: Uncertain significance. Last evaluated: 2022-01-26. Review status: criteria provided, single submitter. Criteria: Ambry Variant Classification Scheme 2023. Collection method: clinical testing. Allele origin: germline.

PreventionGenetics, part of Exact Sciences
Classification: Uncertain significance for CNTN6-related condition. Last evaluated: 2024-07-03. Review status: no assertion criteria provided. Collection method: clinical testing. Allele origin: germline. Not counted in ClinVar's aggregate classification.
Comment: The CNTN6 c.488C>G variant is predicted to result in the amino acid substitution p.Pro163Arg. To our knowledge, this variant has not been reported in the literature. This variant is reported in 0.0062% of alleles in individuals of African descent in gnomAD. At this time, the clinical significance of this variant is uncertain due to the absence of conclusive functional and genetic evidence.

NM_001289080.2(CNTN6):c.488C>G (p.Pro163Arg)

Gene: CNTN6 (contactin 6; plus strand). Cytogenetic location: 3p26.3.
Variant type: single nucleotide variant.
Coding change: c.488C>G on transcript NM_001289080.2 (MANE Select); coding-DNA position 488, C replaced by G.
Protein change: p.Pro163Arg; replaces proline 163 with arginine.
Molecular consequence: missense variant. On other transcripts: 5 prime UTR variant (3), intron variant (2).
Genome position (GRCh38, 1-based): chr3:1,295,634, C>G. VCF-style: chr3-1295634-C-G. GRCh37 (hg19) VCF-style: chr3-1337318-C-G.
Other names: c.272C>G, p.Pro91Arg (NM_001289081.2); c.488C>G, p.Pro163Arg (NM_001349350.2, NM_001349351.2, NM_001349352.2 and 6 more transcripts); c.-450C>G (NM_001349359.2); c.-630C>G (NM_001349361.2); c.-532C>G (NM_001349362.2); c.-362+17126C>G (NM_001349360.2); c.454+17126C>G (NM_001349357.2); c.488C>G (NM_014461.3); short protein forms P163R, P91R.
Identifiers: ClinVar variation 2379252 (VCV002379252.3), dbSNP rs764715506, ClinGen allele CA2225797.